The following is an entry in ClinVar:

NM_005592.4(MUSK):c.1874G>A (p.Arg625Lys)

Gene: MUSK (muscle associated receptor tyrosine kinase; plus strand). Cytogenetic location: 9q31.3.
Variant type: single nucleotide variant.
Coding change: c.1874G>A on transcript NM_005592.4 (MANE Select); coding-DNA position 1874, G replaced by A.
Protein change: p.Arg625Lys; replaces arginine 625 with lysine.
Molecular consequence: missense variant.
Genome position (GRCh38, 1-based): chr9:110,787,785, G>A. VCF-style: chr9-110787785-G-A. GRCh37 (hg19) VCF-style: chr9-113550065-G-A.
Other names: c.1616G>A, p.Arg539Lys (NM_001166280.2); c.1586G>A, p.Arg529Lys (NM_001166281.2); c.614G>A, p.Arg205Lys (NM_001369398.1); c.1874G>A (NM_005592.3); short protein forms R529K, R539K, R205K, R625K.
Identifiers: ClinVar variation 1506580 (VCV001506580.8), dbSNP rs2077900685, ClinGen allele CA374476520.
Genomic context (GRCh38, chr9:110,787,785, plus strand): 5'-TGGTGGCAGTAAAGATGCTCAAAGAAGAAGCCTCGGCAGATATGCAAGCGGACTTTCAGA[G>A]GGAGGCAGCCCTCATGGCAGAATTTGACAACCCTAACATTGTGAAGCTATTAGGTATGAA-3'
Protein context (NP_005583.1, residues 615-635): ASADMQADFQ[Arg625Lys]EAALMAEFDN

ClinVar aggregate classification (germline): Uncertain significance (1 of 4 stars; one submission).

Conditions:
Fetal akinesia deformation sequence 1 (FADS1). Also called: Pena-Shokeir syndrome type I; Fetal akinesia sequence. Identifiers: Orphanet 994, MedGen C1276035, MONDO:0100101, OMIM 208150, HP:0001989.
Congenital myasthenic syndrome 9. Also called: Myasthenic syndrome, congenital, 9, associated with acetylcholine receptor deficiency. Identifiers: Orphanet 590, MedGen C4225368, MONDO:0014587, OMIM 616325.

Allele frequency attached by ClinVar (database versions not stated): TOPMed 0.00001.
gnomAD v4.1: 9 of 1,613,664 alleles (0.00056%); highest among the groups gnomAD compares: Non-Finnish European, 0.00076%; no homozygotes.

Submission:

Labcorp Genetics (formerly Invitae), Labcorp
Classification: Uncertain significance for Congenital myasthenic syndrome 9; Fetal akinesia deformation sequence 1. Last evaluated: 2022-07-06. Review status: criteria provided, single submitter. Criteria: Invitae Variant Classification Sherloc (09022015). Collection method: clinical testing. Allele origin: germline.
Comment: In summary, the available evidence is currently insufficient to determine the role of this variant in disease. Therefore, it has been classified as a Variant of Uncertain Significance. Algorithms developed to predict the effect of missense changes on protein structure and function (SIFT, PolyPhen-2, Align-GVGD) all suggest that this variant is likely to be disruptive. ClinVar contains an entry for this variant (Variation ID: 1506580). This variant has not been reported in the literature in individuals affected with MUSK-related conditions. This variant is not present in population databases (gnomAD no frequency). This sequence change replaces arginine, which is basic and polar, with lysine, which is basic and polar, at codon 625 of the MUSK protein (p.Arg625Lys).